The following is an entry in ClinVar:

NM_005045.4(RELN):c.5537T>C (p.Leu1846Pro)

Gene: RELN (reelin; minus strand). Cytogenetic location: 7q22.1.
Variant type: single nucleotide variant.
Coding change: c.5537T>C on transcript NM_005045.4 (MANE Select); coding-DNA position 5537, T replaced by C.
Protein change: p.Leu1846Pro; replaces leucine 1846 with proline.
Molecular consequence: missense variant.
Genome position (GRCh38, 1-based): chr7:103,558,042, A>G on the plus strand (T>C on the coding strand, the complement: RELN is on the minus strand). VCF-style: chr7-103558042-A-G. GRCh37 (hg19) VCF-style: chr7-103198489-A-G.
Other names: c.5537T>C, p.Leu1846Pro (NM_173054.3); short protein forms L1846P.
Identifiers: ClinVar variation 3257405 (VCV003257405.17).

ClinVar aggregate classification (germline): Uncertain significance (1 of 4 stars; one submission).

Submission:

CeGaT Center for Human Genetics Tuebingen
Classification: Uncertain significance. Last evaluated: 2024-07-01. Review status: criteria provided, single submitter. Criteria: CeGaT Center For Human Genetics Tuebingen Variant Classification Criteria Version 2. Collection method: clinical testing. Allele origin: germline. Affected: yes. Observed: 1 variant allele.
Comment: RELN: PM2